The following is an entry in ClinVar:

ClinVar aggregate classification (germline): Pathogenic (1 of 4 stars; one submission).

Conditions:
Duchenne muscular dystrophy (DMD). Also called: MUSCULAR DYSTROPHY, PSEUDOHYPERTROPHIC PROGRESSIVE, DUCHENNE TYPE; Duchenne Muscular Dystrophy (DMD). Identifiers: Orphanet 98896, MedGen C0013264, MONDO:0010679, OMIM 310200.

Submission:

Labcorp Genetics (formerly Invitae), Labcorp
Classification: Pathogenic for Duchenne muscular dystrophy. Last evaluated: 2016-10-17. Review status: criteria provided, single submitter. Criteria: Invitae Variant Classification Sherloc (09022015). Collection method: clinical testing. Allele origin: germline.
Comment: For these reasons, this variant has been classified as Pathogenic. While this particular variant has not been reported in the literature, truncating variants in DMD are known to be pathogenic (PMID: 16770791). This sequence change deletes 4 nucleotides from exon 35 of the DMD mRNA (c.4934_4937delAGGA), causing a frameshift at codon 1645. This creates a premature translational stop signal (p.Lys1645Argfs*11) and is expected to result in an absent or disrupted protein product.

Literature cited by the submitters: PubMed 16770791.

NM_004006.3(DMD):c.4934_4937del (p.Lys1645fs)

Gene: DMD (dystrophin; minus strand). Cytogenetic location: Xp21.1.
Variant type: Deletion.
Coding change: c.4934_4937del on transcript NM_004006.3 (MANE Select); coding-DNA positions 4934 to 4937, 4 bases deleted (AGGA; older notation c.4934_4937delAGGA).
Protein change: p.Lys1645fs; shifts the reading frame from lysine 1645.
Molecular consequence: frameshift variant.
Genome position (GRCh38, 1-based): chrX:32,365,108-32,365,111, TCCT deleted on the plus strand (AGGA on the coding strand, the reverse complement: DMD is on the minus strand); deleting any 4 consecutive bases within chrX:32,365,108-32,365,113 gives the same sequence; the c. name uses the placement nearest the transcript's 3' end. VCF-style (leftmost placement, unchanged base first): chrX-32365107-CTCCT-C. GRCh37 (hg19) VCF-style: chrX-32383224-CTCCT-C.
Other names: c.4910_4913del, p.Lys1637fs (NM_000109.4); c.4922_4925del, p.Lys1641fs (NM_004009.3); c.4565_4568del, p.Lys1522fs (NM_004010.3); c.911_914del, p.Lys304fs (NM_004011.4); c.902_905del, p.Lys301fs (NM_004012.4); c.4934_4937delAGGA (NM_004006.2); short protein forms K1637fs, K301fs, K304fs, K1522fs, K1645fs, K1641fs.
Identifiers: ClinVar variation 409902 (VCV000409902.7), dbSNP rs1060502632, ClinGen allele CA16616671.